The following is an entry in ClinVar:

NM_017752.3(TBC1D8B):c.1259T>C (p.Leu420Ser)

Gene: TBC1D8B (TBC1 domain family member 8B; plus strand). Cytogenetic location: Xq22.3.
Variant type: single nucleotide variant.
Coding change: c.1259T>C on transcript NM_017752.3 (MANE Select); coding-DNA position 1259, T replaced by C.
Protein change: p.Leu420Ser; replaces leucine 420 with serine.
Molecular consequence: missense variant.
Genome position (GRCh38, 1-based): chrX:106,839,363, T>C. VCF-style: chrX-106839363-T-C. GRCh37 (hg19) VCF-style: chrX-106082593-T-C.
Other names: c.1259T>C, p.Leu420Ser (NM_198881.2); short protein forms L420S.
Identifiers: ClinVar variation 2883644 (VCV002883644.2), dbSNP rs146006453, ClinGen allele CA10483109.
Genomic context (GRCh38, chrX:106,839,363, plus strand): 5'-TTCAGCTTGCTATTAGTTCTGAGTCTACAGAGCCATCTGATAATTTTGAGGTGCAATCTT[T>C]GACAAGTCAGAGGGAATGCAGTAAAACTGTGAACACTGAAGCCTTAATGACAGTATTTCA-3'
Protein context (NP_060222.2, residues 410-430): EPSDNFEVQS[Leu420Ser]TSQRECSKTV

ClinVar aggregate classification (germline): Uncertain significance (1 of 4 stars; one submission).

Allele frequency attached by ClinVar (database versions not stated): gnomAD 0.00001; gnomAD exomes 0.00002; TOPMed 0.00002; ExAC 0.00005; ESP Exome Variant Server 0.00009.
gnomAD v4.1: 27 of 1,186,957 alleles (0.0023%); highest among the groups gnomAD compares: Middle Eastern, 0.12%; no homozygotes.

Submission:

Labcorp Genetics (formerly Invitae), Labcorp
Classification: Uncertain significance. Last evaluated: 2024-04-22. Review status: criteria provided, single submitter. Criteria: Invitae Variant Classification Sherloc (09022015). Collection method: clinical testing. Allele origin: germline.
Comment: This sequence change replaces leucine, which is neutral and non-polar, with serine, which is neutral and polar, at codon 420 of the TBC1D8B protein (p.Leu420Ser). This variant is present in population databases (rs146006453, gnomAD 0.005%). This variant has not been reported in the literature in individuals affected with TBC1D8B-related conditions. Algorithms developed to predict the effect of missense changes on protein structure and function output the following: SIFT: "Not Available"; PolyPhen-2: "Benign"; Align-GVGD: "Not Available". The serine amino acid residue is found in multiple mammalian species, which suggests that this missense change does not adversely affect protein function. In summary, the available evidence is currently insufficient to determine the role of this variant in disease. Therefore, it has been classified as a Variant of Uncertain Significance.